The following is an entry in ClinVar:

NM_000891.3(KCNJ2):c.*832G>A

Gene: KCNJ2 (potassium inwardly rectifying channel subfamily J member 2; plus strand). Cytogenetic location: 17q24.3.
Variant type: single nucleotide variant.
Coding change: c.*832G>A on transcript NM_000891.3 (MANE Select); 832 bases downstream of the stop codon, G replaced by A.
Molecular consequence: 3 prime UTR variant.
Genome position (GRCh38, 1-based): chr17:70,177,155, G>A. VCF-style: chr17-70177155-G-A. GRCh37 (hg19) VCF-style: chr17-68173296-G-A.
Identifiers: ClinVar variation 324847 (VCV000324847.8), dbSNP rs10083831, ClinGen allele CA10649967.

ClinVar aggregate classification (germline): Benign. Review status: criteria provided, multiple submitters, no conflicts (2 of 4 stars). 5 submissions from 3 submitters: Benign (5). Last evaluated 2021-05-13.

Conditions:
Atrial fibrillation, familial, 9 (ATFB9). Identifiers: MedGen C3151431, MONDO:0013513, OMIM 613980.
Short QT syndrome type 3. Identifiers: Orphanet 51083, MedGen C1865018, MONDO:0012314, OMIM 609622.
Andersen Tawil syndrome (LQT7). Also called: Potassium-sensitive periodic paralysis, ventricular ectopy, and dysmorphic features; ANDERSEN CARDIODYSRHYTHMIC PERIODIC PARALYSIS; LONG QT SYNDROME 7; PERIODIC PARALYSIS, POTASSIUM-SENSITIVE CARDIODYSRHYTHMIC TYPE; Andersen Syndrome. Identifiers: Orphanet 37553, MedGen C1563715, MONDO:0008222, OMIM 170390.

Allele frequency attached by ClinVar (database versions not stated): gnomAD exomes 0.00014; gnomAD 0.06308 and 0.06743; TOPMed 0.07219; 1000 Genomes Project 0.07248; 1000 Genomes Project 30x 0.07808.

Submissions (5):

GeneDx
Classification: Benign. Last evaluated: 2021-05-13. Review status: criteria provided, single submitter. Criteria: GeneDx Variant Classification Process June 2021. Collection method: clinical testing. Allele origin: germline. Affected: yes.

Illumina Laboratory Services, Illumina
Classification: Benign for Atrial fibrillation, familial, 9. Last evaluated: 2018-01-12. Review status: criteria provided, single submitter. Criteria: ICSL Variant Classification Criteria 13 December 2019. Collection method: clinical testing. Allele origin: germline.
Comment: This variant was observed in the ICSL laboratory as part of a predisposition screen in an ostensibly healthy population. It had not been previously curated by ICSL or reported in the Human Gene Mutation Database (HGMD: prior to June 1st, 2018), and was therefore a candidate for classification through an automated scoring system. Utilizing variant allele frequency, disease prevalence and penetrance estimates, and inheritance mode, an automated score was calculated to assess if this variant is too frequent to cause the disease. Based on the score and internal cut-off values, a variant classified as benign is not then subjected to further curation. The score for this variant resulted in a classification of benign for this disease.

Illumina Laboratory Services, Illumina
Classification: Benign for Andersen Tawil syndrome. Last evaluated: 2018-01-12. Review status: criteria provided, single submitter. Criteria: ICSL Variant Classification Criteria 13 December 2019. Collection method: clinical testing. Allele origin: germline.
Comment: the same text as in the submission from Illumina Laboratory Services, Illumina above.

Illumina Laboratory Services, Illumina
Classification: Benign for Short QT syndrome type 3. Last evaluated: 2018-01-12. Review status: criteria provided, single submitter. Criteria: ICSL Variant Classification Criteria 13 December 2019. Collection method: clinical testing. Allele origin: germline.
Comment: the same text as in the submission from Illumina Laboratory Services, Illumina above.

Breakthrough Genomics
Classification: Benign. Review status: criteria provided, single submitter. Criteria: ACMG Guidelines, 2015. Collection method: not provided. Allele origin: germline. Inheritance: Autosomal dominant inheritance. Affected: yes.